The following is an entry in ClinVar:

ClinVar aggregate classification (somatic clinical impact): Tier II - Potential (1 of 4 stars; one submission).

Conditions:
Diffuse pediatric-type high-grade glioma, H3-wildtype and IDH-wildtype. Identifiers: MedGen C5669918, MONDO:0858939.

Submission:

Institute for Genomic Medicine (IGM) Clinical Laboratory, Nationwide Children's Hospital
Classification: Tier II - Potential for Diffuse pediatric-type high-grade glioma, H3-wildtype and IDH-wildtype. Assertion type: diagnostic. Clinical significance: supports diagnosis. Last evaluated: 2025-01-28. Review status: criteria provided, single submitter. Criteria: AMP/ASCO/CAP Guidelines, 2017. Collection method: clinical testing. Allele origin: somatic. Affected: yes.
Comment: Variant has Tier II (potential) clinical significance as a diagnostic inclusion criterion in diffuse pediatric-type high-grade glioma, H3-wildtype and IDH-wildtype, based on the following evidence: 1) Assists in diagnosis alone or along with other biomarkers based on small studies or few case reports (Evidence Level D; PMIDs: 30710203, 28726821, 23208470, 23202128).

Literature cited by the submitters: PubMed 30710203; PubMed 28726821; PubMed 23208470; PubMed 23202128.

NM_006015.6(ARID1A):c.3074_3109del (p.Asp1025_Met1036del)

Gene: ARID1A (AT-rich interaction domain 1A; plus strand). Cytogenetic location: 1p36.11.
Variant type: Deletion.
Coding change: c.3074_3109del on transcript NM_006015.6 (MANE Select); coding-DNA positions 3074 to 3109, 36 bases deleted.
Protein change: p.Asp1025_Met1036del.
Genome position (GRCh38, 1-based): chr1:26,767,875-26,767,910, 36 bases deleted; deleting any 36 consecutive bases within chr1:26,767,872-26,767,910 gives the same sequence; the c. name uses the placement nearest the transcript's 3' end. GRCh37 (hg19): chr1:27,094,366-27,094,401.
Other names: c.3074_3109del, p.Asp1025_Met1036del (NM_139135.4).
Identifiers: ClinVar variation 4530203 (VCV004530203.1).
Genomic context (GRCh38, chr1:26,767,871, plus strand): 5'-ACCAATGAGAAGATCACCAAGTTGTATGAGCTGGGTGGTGAGCCTGAGAGGAAGATGTGG[GTGGACCGTTATCTGGCCTTCACTGAGGAGAAGGCCA>G]TGGGCATGACAAATCTGCCTGCTGTGGGTAGGAAACCTCTGGACCTCTATCGCCTCTATG-3'